The following is an entry in ClinVar:

ClinVar aggregate classification (germline): Conflicting classifications of pathogenicity. Review status: criteria provided, conflicting classifications (1 of 4 stars). 2 submissions from 2 submitters: Likely pathogenic (1); Uncertain significance (1). Last evaluated 2026-04-07.

Submissions (2):

GeneDx
Classification: Uncertain significance. Last evaluated: 2026-04-07. Review status: criteria provided, single submitter. Criteria: GeneDx Variant Classification Process June 2021. Collection method: clinical testing. Allele origin: germline.
Comment: In silico analysis supports that this missense variant has a deleterious effect on protein structure/function; Has not been previously published as pathogenic or benign to our knowledge; This variant is associated with the following publications: (PMID: 27311832)

Laboratory of Molecular Genetics (Pr. Bezieau's lab), CHU de Nantes
Classification: Likely pathogenic. Last evaluated: 2018-07-25. Review status: criteria provided, single submitter. Criteria: ACMG Guidelines, 2015. Collection method: clinical testing. Allele origin: germline. Affected: yes.

NM_004380.3(CREBBP):c.5219A>G (p.His1740Arg)

Gene: CREBBP (CREB binding lysine acetyltransferase; minus strand). Cytogenetic location: 16p13.3.
Variant type: single nucleotide variant.
Coding change: c.5219A>G on transcript NM_004380.3 (MANE Select); coding-DNA position 5219, A replaced by G.
Protein change: p.His1740Arg; replaces histidine 1740 with arginine.
Molecular consequence: missense variant.
Genome position (GRCh38, 1-based): chr16:3,729,828, T>C on the plus strand (A>G on the coding strand, the complement: CREBBP is on the minus strand). VCF-style: chr16-3729828-T-C. GRCh37 (hg19) VCF-style: chr16-3779829-T-C.
Other names: c.5105A>G, p.His1702Arg (NM_001079846.1); short protein forms H1740R, H1702R.
Identifiers: ClinVar variation 633534 (VCV000633534.3), dbSNP rs1567263724, ClinGen allele CA394557633.